The following is an entry in ClinVar:

ClinVar aggregate classification (germline): Uncertain significance (1 of 4 stars; one submission).

gnomAD v4.1: 4 of 1,613,668 alleles (0.00025%); highest among the groups gnomAD compares: Non-Finnish European, 0.00034%; no homozygotes.

Submission:

Labcorp Genetics (formerly Invitae), Labcorp
Classification: Uncertain significance. Last evaluated: 2025-05-27. Review status: criteria provided, single submitter. Criteria: Invitae Variant Classification Sherloc (09022015). Collection method: clinical testing. Allele origin: germline.
Comment: This sequence change affects codon 151 of the KIF23 mRNA. It is a 'silent' change, meaning that it does not change the encoded amino acid sequence of the KIF23 protein. It affects a nucleotide within the consensus splice site. This variant is present in population databases (no rsID available, gnomAD 0.0009%). This variant has not been reported in the literature in individuals affected with KIF23-related conditions. ClinVar contains an entry for this variant (Variation ID: 3619567). Algorithms developed to predict the effect of sequence changes on RNA splicing suggest that this variant is not likely to affect RNA splicing. In summary, the available evidence is currently insufficient to determine the role of this variant in disease. Therefore, it has been classified as a Variant of Uncertain Significance.

NM_001367805.3(KIF23):c.453T>C (p.Tyr151=)

Gene: KIF23 (kinesin family member 23; plus strand). Cytogenetic location: 15q23.
Variant type: single nucleotide variant.
Coding change: c.453T>C on transcript NM_001367805.3 (MANE Select); coding-DNA position 453, T replaced by C.
Protein change: p.Tyr151=; no amino-acid change (tyrosine 151 retained).
Molecular consequence: synonymous variant. On other transcripts: non-coding transcript variant (2), intron variant (1).
Genome position (GRCh38, 1-based): chr15:69,422,128, T>C. VCF-style: chr15-69422128-T-C. GRCh37 (hg19) VCF-style: chr15-69714467-T-C.
Other names: c.124-198T>C (NM_001281301.2); c.453T>C, p.Tyr151= (NM_001367804.2, NM_004856.7, NM_138555.4).
Identifiers: ClinVar variation 3619567 (VCV003619567.2).
Genomic context (GRCh38, chr15:69,422,128, plus strand): 5'-GCTTCCTCGTTGTTTGGACATGATCTTTAACAGTATAGGGTCATTTCAAGCTAAACGATA[T>C]GTAAGTATGATTCTTTTGTGTTGTGACTATCTTACTGGACTAAGACACCTATGGATACAG-3'
Protein context (NP_001354734.1, residues 141-161): NSIGSFQAKR[Tyr151=]VFKSNDRNSM